The following is an entry in ClinVar:

NM_001161352.2(KCNMA1):c.1885C>T (p.Leu629=)

Gene: KCNMA1 (potassium calcium-activated channel subfamily M alpha 1; minus strand). Cytogenetic location: 10q22.3.
Variant type: single nucleotide variant.
Coding change: c.1885C>T on transcript NM_001161352.2 (MANE Select); coding-DNA position 1885, C replaced by T.
Protein change: p.Leu629=; no amino-acid change (leucine 629 retained).
Molecular consequence: synonymous variant.
Genome position (GRCh38, 1-based): chr10:77,027,866, G>A on the plus strand (C>T on the coding strand, the complement: KCNMA1 is on the minus strand). VCF-style: chr10-77027866-G-A. GRCh37 (hg19) VCF-style: chr10-78787624-G-A.
Other names: c.1885C>T, p.Leu629= (NM_001014797.3, NM_001161353.2, NM_001271519.2 and 7 more transcripts); c.1723C>T, p.Leu575= (NM_001271518.2); c.1345C>T, p.Leu449= (NM_001322838.2); c.1885C>T (NM_002247.3).
Identifiers: ClinVar variation 1602249 (VCV001602249.10), dbSNP rs369724043, ClinGen allele CA5568310.

ClinVar aggregate classification (germline): Conflicting classifications of pathogenicity. Review status: criteria provided, conflicting classifications (1 of 4 stars). 3 submissions from 3 submitters: Uncertain significance (1); Likely benign (2). Last evaluated 2026-01-20.

Conditions:
Generalized epilepsy-paroxysmal dyskinesia syndrome (PNKD3). Also called: Generalized epilepsy and paroxysmal dyskinesia; Paroxysmal nonkinesigenic dyskinesia, 3, with or without generalized epilepsy. Identifiers: Orphanet 79137, MedGen C5574945, MONDO:0012276, OMIM 609446.

Allele frequency attached by ClinVar (database versions not stated): ExAC 0.00001; gnomAD 0.00001; gnomAD exomes 0.00001 and 0.00002; TOPMed 0.00001; ESP Exome Variant Server 0.00008.
gnomAD v4.1: 9 of 1,613,712 alleles (0.00056%); highest among the groups gnomAD compares: Non-Finnish European, 0.000085%; no homozygotes.

Submissions (3):

GeneDx
Classification: Uncertain significance. Last evaluated: 2026-01-20. Review status: criteria provided, single submitter. Criteria: GeneDx Variant Classification Process June 2021. Collection method: clinical testing. Allele origin: germline.
Comment: Has not been previously published as pathogenic or benign to our knowledge; In silico analysis is inconclusive as to whether the variant alters gene splicing. In the absence of RNA/functional studies, the actual effect of this sequence change is unknown.

Labcorp Genetics (formerly Invitae), Labcorp
Classification: Likely benign for Generalized epilepsy-paroxysmal dyskinesia syndrome. Last evaluated: 2024-12-13. Review status: criteria provided, single submitter. Criteria: Invitae Variant Classification Sherloc (09022015). Collection method: clinical testing. Allele origin: germline.

Blueprint Genetics
Classification: Likely benign. Last evaluated: 2023-03-21. Review status: criteria provided, single submitter. Criteria: ACMG Guidelines, 2015. Collection method: clinical testing. Allele origin: germline.